The following is an entry in ClinVar:

NM_025114.4(CEP290):c.3012del (p.Glu1005fs)

Gene: CEP290 (centrosomal protein 290; minus strand). Cytogenetic location: 12q21.32.
Variant type: Deletion.
Coding change: c.3012del on transcript NM_025114.4 (MANE Select); coding-DNA position 3012, one base deleted (A; older notation c.3012delA).
Protein change: p.Glu1005fs; shifts the reading frame from glutamic acid 1005.
Molecular consequence: frameshift variant.
Genome position (GRCh38, 1-based): chr12:88,096,979, T deleted on the plus strand (A on the coding strand, the reverse complement: CEP290 is on the minus strand); the first of 4 consecutive T bases (chr12:88,096,979-88,096,982); deleting any one gives the same sequence. VCF-style (leftmost placement, unchanged base first): chr12-88096978-CT-C. GRCh37 (hg19) VCF-style: chr12-88490755-CT-C.
Other names: c.3012delA (NM_025114.3); short protein forms E1005fs.
Identifiers: ClinVar variation 504139 (VCV000504139.12), dbSNP rs1555213204, ClinGen allele CA658797940.
Genomic context (GRCh38, chr12:88,096,978, plus strand): 5'-CAATAGTGTGAAGTTTTTCCTTGGTAATCTCCAGTTCTTTATTTATAGACTCCACTTGTT[CT>C]TTTAAGGAGATGTTTTCACACTGAATAAAGGAAAAATATCACTAAGAAACTACATTGTAA-3'

ClinVar aggregate classification (germline): Pathogenic/Likely pathogenic. Review status: criteria provided, multiple submitters, no conflicts (2 of 4 stars). 7 submissions from 7 submitters: Pathogenic (4); Likely pathogenic (3). Last evaluated 2026-05-28.

Conditions:
Leber congenital amaurosis (LCA). Also called: Leber's amaurosis. Identifiers: Orphanet 65, MedGen C0339527, MeSH D057130, MONDO:0018998.
CEP290-related disorder. Also called: CEP290-related disorders; CEP290-related condition. Identifiers: MedGen CN239314.
Meckel syndrome, type 4 (MKS4). Also called: MECKEL-GRUBER SYNDROME, TYPE 4. Identifiers: Orphanet 564, MedGen C1970161, MONDO:0012626, OMIM 611134.
CEP290-related ciliopathy. Also called: CEP290 ciliopathy. Identifiers: MedGen CN305601, MONDO:0100451.
Bardet-Biedl syndrome 14 (BBS14). Identifiers: Orphanet 110, MedGen C2673874, MONDO:0014442, OMIM 615991.
Meckel-Gruber syndrome. Also called: GRUBER SYNDROME; DYSENCEPHALIA SPLANCHNOCYSTICA; Dysencephalia splachnocystica. Identifiers: Orphanet 564, MedGen C0265215, MONDO:0018921.
Joubert syndrome. Also called: JOUBERT-BOLTSHAUSER SYNDROME; Familial aplasia of the vermis. Identifiers: Orphanet 475, MedGen C5979921, MONDO:0018772.
Nephronophthisis. Also called: Juvenile Nephronophthisis. Identifiers: Orphanet 655, MedGen C0687120, MONDO:0019005, HP:0000090.

Submissions (7):

Myriad Genetics, Inc.
Classification: Pathogenic for CEP290-related ciliopathy. Last evaluated: 2026-05-28. Review status: criteria provided, single submitter. Criteria: Myriad Autosomal Dominant, Autosomal Recessive and X-Linked Classification Criteria (2023). Collection method: clinical testing. Allele origin: unknown.
Comment: NM_025114.3(CEP290):c.3012delA(E1005Nfs*6) is a frameshift variant classified as pathogenic in the context of CEP290-related disorders. E1005Nfs*6 has been observed in a case with relevant disease (PMID: 29053603). Relevant functional assessments of this variant are not available in the literature. E1005Nfs*6 has not been observed in referenced population frequency databases. In summary, NM_025114.3(CEP290):c.3012delA(E1005Nfs*6) is a frameshift variant in a gene where loss of function is a known mechanism of disease, is predicted to disrupt protein function, and has been observed more frequently in cases with the relevant disease than in healthy populations. Please note: this variant was assessed in the context of healthy population screening.

Natera, Inc.
Classification: Pathogenic for Leber congenital amaurosis. Last evaluated: 2024-09-30. Review status: criteria provided, single submitter. Criteria: Natera Variant Classification Schema (03/2026). Collection method: clinical testing. Allele origin: germline.
Comment: The c.3012delA variant in CEP290 is a frameshift variant predicted to shift the reading frame beginning at codon 1005 and leads to a stop codon 6 codons downstream. This variant is expected to result in nonsense mediated decay, truncation, or a dysfunctional protein product. This variant is rare in the general population with a frequency below the threshold expected for the associated phenotype(s). This variant has been observed in one or more individuals affected with the associated recessive disease, as either homozygous or compound heterozygous with a second variant (PMID: 29053603). Given the available evidence, this variant is classified as Pathogenic.

Labcorp Genetics (formerly Invitae), Labcorp
Classification: Pathogenic for Joubert syndrome; Meckel-Gruber syndrome; Nephronophthisis. Last evaluated: 2024-01-04. Review status: criteria provided, single submitter. Criteria: Invitae Variant Classification Sherloc (09022015). Collection method: clinical testing. Allele origin: germline.
Comment: This sequence change creates a premature translational stop signal (p.Glu1005Asnfs*6) in the CEP290 gene. It is expected to result in an absent or disrupted protein product. Loss-of-function variants in CEP290 are known to be pathogenic (PMID: 16909394, 17345604, 20690115). This variant is not present in population databases (gnomAD no frequency). This premature translational stop signal has been observed in individual(s) with Leber congenital amaurosis (PMID: 29053603). This variant is also known as K1004fs. ClinVar contains an entry for this variant (Variation ID: 504139). For these reasons, this variant has been classified as Pathogenic.

Baylor Genetics
Classification: Pathogenic for Bardet-Biedl syndrome 14. Last evaluated: 2023-07-20. Review status: criteria provided, single submitter. Criteria: ACMG Guidelines, 2015. Collection method: clinical testing. Allele origin: unknown.

Women's Health and Genetics/Laboratory Corporation of America, LabCorp
Classification: Likely pathogenic for Meckel syndrome, type 4. Last evaluated: 2022-06-24. Review status: criteria provided, single submitter. Criteria: LabCorp Variant Classification Summary - May 2015. Collection method: clinical testing. Allele origin: germline.
Comment: Variant summary: CEP290 c.3012delA (p.Glu1005AsnfsX6) results in a premature termination codon, predicted to cause a truncation of the encoded protein or absence of the protein due to nonsense mediated decay, which are commonly known mechanisms for disease. Truncations downstream of this position have been classified as pathogenic by our laboratory. The variant was absent in 178594 control chromosomes (gnomAD). c.3012delA has been reported in the literature in a compound heterozygous individual affected with Leber Congenital Amaurosis (Di Iorio_2017). These data do not allow any conclusion about variant significance. To our knowledge, no experimental evidence demonstrating an impact on protein function has been reported. One ClinVar submitter has assessed the variant since 2014: the variant was classified as likely pathogenic. Based on the evidence outlined above, the variant was classified as likely pathogenic.

Blueprint Genetics
Classification: Likely pathogenic for CEP290-related disorders. Last evaluated: 2021-06-09. Review status: criteria provided, single submitter. Criteria: ACMG Guidelines, 2015. Collection method: clinical testing. Allele origin: germline. Affected: yes. Observed: 1 variant allele.

GeneDx
Classification: Likely pathogenic. Last evaluated: 2018-01-23. Review status: criteria provided, single submitter. Criteria: GeneDx Variant Classification (06012015). Collection method: clinical testing. Allele origin: germline. Affected: yes.
Comment: The c.3012delA variant in the CEP290 gene has not been reported previously as a pathogenic variant, nor as a benign variant, to our knowledge. The c.3012delA variant causes a frameshift starting with codon Glutamic acid 1005, changes this amino acid to a Asparagine residue, and creates a premature Stop codon at position 6 of the new reading frame, denoted p.Glu1005AsnfsX6. This variant is predicted to cause loss of normal protein function either through protein truncation or nonsense-mediated mRNA decay. The c.3012delA variant is not observed in large population cohorts (Lek et al., 2016). We interpret c.3012delA as a likely pathogenic variant.

Literature cited by the submitters: PubMed 29053603 (cited by 4 submitters); PubMed 16909394 (cited by Labcorp Genetics (formerly Invitae), Labcorp); PubMed 17345604 (cited by Labcorp Genetics (formerly Invitae), Labcorp); PubMed 20690115 (cited by Labcorp Genetics (formerly Invitae), Labcorp); PubMed 34196655 (cited by Women's Health and Genetics/Laboratory Corporation of America, LabCorp).